The following is an entry in ClinVar:

ClinVar aggregate classification (germline): Uncertain significance (1 of 4 stars; one submission).

Conditions:
EGFR-related lung cancer (EGFR). Identifiers: MedGen CN130014.

gnomAD v4.1: 1 of 1,613,792 alleles (0.000062%); highest among the groups gnomAD compares: Non-Finnish European, 0.000085%; no homozygotes.

Submission:

Labcorp Genetics (formerly Invitae), Labcorp
Classification: Uncertain significance for EGFR-related lung cancer. Last evaluated: 2024-09-06. Review status: criteria provided, single submitter. Criteria: Invitae Variant Classification Sherloc (09022015). Collection method: clinical testing. Allele origin: germline.
Comment: This sequence change replaces phenylalanine, which is neutral and non-polar, with leucine, which is neutral and non-polar, at codon 404 of the EGFR protein (p.Phe404Leu). This variant is not present in population databases (gnomAD no frequency). This variant has not been reported in the literature in individuals affected with EGFR-related conditions. Invitae Evidence Modeling of protein sequence and biophysical properties (such as structural, functional, and spatial information, amino acid conservation, physicochemical variation, residue mobility, and thermodynamic stability) indicates that this missense variant is not expected to disrupt EGFR protein function with a negative predictive value of 80%. In summary, the available evidence is currently insufficient to determine the role of this variant in disease. Therefore, it has been classified as a Variant of Uncertain Significance.

NM_005228.5(EGFR):c.1210T>C (p.Phe404Leu)

Gene: EGFR (epidermal growth factor receptor; plus strand). Cytogenetic location: 7p11.2.
Variant type: single nucleotide variant.
Coding change: c.1210T>C on transcript NM_005228.5 (MANE Select); coding-DNA position 1210, T replaced by C.
Protein change: p.Phe404Leu; replaces phenylalanine 404 with leucine.
Molecular consequence: missense variant.
Genome position (GRCh38, 1-based): chr7:55,157,665, T>C. VCF-style: chr7-55157665-T-C. GRCh37 (hg19) VCF-style: chr7-55225358-T-C.
Other names: c.1075T>C, p.Phe359Leu (NM_001346897.2, NM_001346899.2); c.1210T>C, p.Phe404Leu (NM_001346898.2, NM_201282.2, NM_201284.2); c.1051T>C, p.Phe351Leu (NM_001346900.2); c.409T>C, p.Phe137Leu (NM_001346941.2); short protein forms F351L, F359L, F404L, F137L.
Identifiers: ClinVar variation 3698188 (VCV003698188.2).